The following is an entry in ClinVar:

NM_003072.5(SMARCA4):c.3955A>T (p.Met1319Leu)

Gene: SMARCA4 (SWI/SNF related BAF chromatin remodeling complex subunit ATPase 4; plus strand). Cytogenetic location: 19p13.2.
Variant type: single nucleotide variant.
Coding change: c.3955A>T on transcript NM_003072.5 (MANE Select); coding-DNA position 3955, A replaced by T.
Protein change: p.Met1319Leu; replaces methionine 1319 with leucine.
Molecular consequence: missense variant. On other transcripts: non-coding transcript variant (1).
Genome position (GRCh38, 1-based): chr19:11,034,917, A>T. VCF-style: chr19-11034917-A-T. GRCh37 (hg19) VCF-style: chr19-11145593-A-T.
Other names: c.3955A>T, p.Met1319Leu (NM_001128844.3, NM_001128849.3, NM_001387283.1); c.3856A>T, p.Met1286Leu (NM_001128845.2, NM_001128846.2, NM_001128847.4 and 3 more transcripts); short protein forms M1286L, M1319L.
Identifiers: ClinVar variation 3958428 (VCV003958428.1).

ClinVar aggregate classification (germline): Uncertain significance (1 of 4 stars; one submission).

Conditions:
Hereditary cancer-predisposing syndrome. Also called: Tumor predisposition; Hereditary neoplastic syndrome; Hereditary Cancer Syndrome; Neoplastic Syndromes, Hereditary. Identifiers: Orphanet 140162, MedGen C0027672, MeSH D009386, MONDO:0015356.

Submission:

Ambry Genetics
Classification: Uncertain significance for Hereditary cancer-predisposing syndrome. Last evaluated: 2025-03-28. Review status: criteria provided, single submitter. Criteria: Ambry Variant Classification Scheme 2023. Collection method: clinical testing. Allele origin: germline.
Comment: The p.M1319L variant (also known as c.3955A>T), located in coding exon 28 of the SMARCA4 gene, results from an A to T substitution at nucleotide position 3955. The methionine at codon 1319 is replaced by leucine, an amino acid with highly similar properties. This amino acid position is conserved. In addition, the in silico prediction for this alteration is inconclusive. Based on the available evidence, the clinical significance of this variant remains unclear.